The following is an entry in ClinVar:

NM_177965.4(CFAP418):c.530G>C (p.Arg177Pro)

Gene: CFAP418 (cilia and flagella associated protein 418; minus strand). Cytogenetic location: 8q22.1.
Variant type: single nucleotide variant.
Coding change: c.530G>C on transcript NM_177965.4 (MANE Select); coding-DNA position 530, G replaced by C.
Protein change: p.Arg177Pro; replaces arginine 177 with proline.
Molecular consequence: missense variant.
Genome position (GRCh38, 1-based): chr8:95,247,711, C>G on the plus strand (G>C on the coding strand, the complement: CFAP418 is on the minus strand). VCF-style: chr8-95247711-C-G. GRCh37 (hg19) VCF-style: chr8-96259939-C-G.
Other names: c.434G>C, p.Arg145Pro (NM_001363260.1); short protein forms R177P, R145P.
Identifiers: ClinVar variation 4732939 (VCV004732939.1).

ClinVar aggregate classification (germline): Uncertain significance (1 of 4 stars; one submission).

Submission:

Labcorp Genetics (formerly Invitae), Labcorp
Classification: Uncertain significance. Last evaluated: 2025-12-16. Review status: criteria provided, single submitter. Criteria: Invitae Variant Classification Sherloc (09022015). Collection method: clinical testing. Allele origin: germline.
Comment: This sequence change replaces arginine, which is basic and polar, with proline, which is neutral and non-polar, at codon 177 of the C8orf37 protein (p.Arg177Pro). This variant is not present in population databases (gnomAD no frequency). This missense change has been observed in individual(s) with retinitis pigmentosa (internal data). An algorithm developed to predict the effect of missense changes on protein structure and function (PolyPhen-2) suggests that this variant is likely to be disruptive. This variant disrupts the p.Arg177 amino acid residue in C8orf37. Other variant(s) that disrupt this residue have been determined to be pathogenic (PMID: 22177090, 25515582, 27008867, 30029497, 31456290). This suggests that this residue is clinically significant, and that variants that disrupt this residue are likely to be disease-causing. In summary, the available evidence is currently insufficient to determine the role of this variant in disease. Therefore, it has been classified as a Variant of Uncertain Significance.

Literature cited by the submitters: PubMed 22177090; PubMed 25515582; PubMed 27008867; PubMed 30029497; PubMed 31456290.